The following is an entry in ClinVar:

NM_002878.4(RAD51D):c.772G>C (p.Gly258Arg)

Genes: RAD51L3-RFFL (RAD51L3-RFFL readthrough; minus strand), RAD51D (RAD51 paralog D; minus strand). Cytogenetic location: 17q12.
Variant type: single nucleotide variant.
Coding change: c.772G>C on transcript NM_002878.4 (MANE Select); coding-DNA position 772, G replaced by C.
Protein change: p.Gly258Arg; replaces glycine 258 with arginine.
Molecular consequence: missense variant. On other transcripts: non-coding transcript variant (3).
Genome position (GRCh38, 1-based): chr17:35,101,332, C>G on the plus strand (G>C on the coding strand, the complement: RAD51D is on the minus strand). VCF-style: chr17-35101332-C-G. GRCh37 (hg19) VCF-style: chr17-33428351-C-G.
Other names: c.832G>C, p.Gly278Arg (NM_001142571.2); c.436G>C, p.Gly146Arg (NM_133629.3); short protein forms G146R, G258R, G278R.
Identifiers: ClinVar variation 1475403 (VCV001475403.7), dbSNP rs181695922, ClinGen allele CA399086911.

ClinVar aggregate classification (germline): Uncertain significance. Review status: criteria provided, multiple submitters, no conflicts (2 of 4 stars). 2 submissions from 2 submitters: Uncertain significance (2). Last evaluated 2024-05-04.

Conditions:
Hereditary cancer-predisposing syndrome. Also called: Neoplastic Syndromes, Hereditary; Hereditary Cancer Syndrome; Tumor predisposition; Hereditary neoplastic syndrome. Identifiers: Orphanet 140162, MedGen C0027672, MeSH D009386, MONDO:0015356.
Breast-ovarian cancer, familial, susceptibility to, 4. Identifiers: Orphanet 145, MedGen C3280345, MONDO:0013669, OMIM 614291.

gnomAD v4.1: 3 of 1,614,090 alleles (0.00019%); highest among the groups gnomAD compares: Non-Finnish European, 0.00025%; no homozygotes.

Submissions (2):

Color Diagnostics, LLC DBA Color Health
Classification: Uncertain significance for Hereditary cancer-predisposing syndrome. Last evaluated: 2024-05-04. Review status: criteria provided, single submitter. Criteria: ACMG Guidelines, 2015. Collection method: clinical testing. Allele origin: germline.
Comment: This missense variant replaces glycine with arginine at codon 258 of the RAD51D protein. Computational prediction suggests that this variant may not impact protein structure and function (internally defined REVEL score threshold <= 0.5, PMID: 27666373). To our knowledge, functional studies have not been reported for this variant. This variant has not been reported in individuals affected with RAD51D-related disorders in the literature. This variant has not been identified in the general population by the Genome Aggregation Database (gnomAD). The available evidence is insufficient to determine the role of this variant in disease conclusively. Therefore, this variant is classified as a Variant of Uncertain Significance.

Labcorp Genetics (formerly Invitae), Labcorp
Classification: Uncertain significance for Breast-ovarian cancer, familial, susceptibility to, 4. Last evaluated: 2021-08-04. Review status: criteria provided, single submitter. Criteria: Invitae Variant Classification Sherloc (09022015). Collection method: clinical testing. Allele origin: germline.
Comment: Algorithms developed to predict the effect of missense changes on protein structure and function (SIFT, PolyPhen-2, Align-GVGD) all suggest that this variant is likely to be tolerated. In summary, the available evidence is currently insufficient to determine the role of this variant in disease. Therefore, it has been classified as a Variant of Uncertain Significance. This variant has not been reported in the literature in individuals affected with RAD51D-related conditions. This variant is not present in population databases (ExAC no frequency). This sequence change replaces glycine with arginine at codon 258 of the RAD51D protein (p.Gly258Arg). The glycine residue is moderately conserved and there is a moderate physicochemical difference between glycine and arginine.